The following is an entry in ClinVar:

NM_000186.4(CFH):c.615T>A (p.Cys205Ter)

Gene: CFH (complement factor H; plus strand). Cytogenetic location: 1q31.3.
Variant type: single nucleotide variant.
Coding change: c.615T>A on transcript NM_000186.4 (MANE Select); coding-DNA position 615, T replaced by A.
Protein change: p.Cys205Ter; replaces cysteine 205 with a stop codon.
Molecular consequence: nonsense.
Genome position (GRCh38, 1-based): chr1:196,677,663, T>A. VCF-style: chr1-196677663-T-A. GRCh37 (hg19) VCF-style: chr1-196646793-T-A.
Other names: c.615T>A, p.Cys205Ter (NM_001014975.3); short protein forms C205*.
Identifiers: ClinVar variation 4291309 (VCV004291309.2).
Genomic context (GRCh38, chr1:196,677,663, plus strand): 5'-AGGAGATGAAGAAATGCATTGTTCAGACGATGGTTTTTGGAGTAAAGAGAAACCAAAGTG[T>A]GTGGGTAAGATACACTTACTGTTTTAGTATTTTTAGCTTTTTAAATGTAAATATACATTT-3'

ClinVar aggregate classification (germline): Pathogenic (1 of 4 stars; one submission).

Conditions:
Factor H deficiency (CFHD). Also called: COMPLEMENT FACTOR H DEFICIENCY; CFH DEFICIENCY. Identifiers: Orphanet 200421, MedGen C0398777, MONDO:0012350, OMIM 609814.

Submission:

Genomenon, Inc
Classification: Pathogenic for Factor H deficiency. Last evaluated: 2026-09-17. Review status: criteria provided, single submitter. Criteria: Genomenon Sequence Variant Interpretation Standards - Updated. Collection method: curation. Allele origin: germline. Affected: yes.
Comment: CFH p.Cys205Ter (c.615T>A) is a nonsense variant that introduces a premature stop codon at amino acid position 205 and is predicted to result in a truncated or absent protein product. This variant has been observed in at least one proband affected with complement factor H deficiency (PMID: 28637589). It is absent or not present at a significant frequency in gnomAD. In conclusion, we classify CFH p.Cys205Ter (c.615T>A) as a pathogenic variant.

Literature cited by the submitters: PubMed 28637589.